The following is an entry in ClinVar:

NM_005045.4(RELN):c.5258G>A (p.Gly1753Glu)

Gene: RELN (reelin; minus strand). Cytogenetic location: 7q22.1.
Variant type: single nucleotide variant.
Coding change: c.5258G>A on transcript NM_005045.4 (MANE Select); coding-DNA position 5258, G replaced by A.
Protein change: p.Gly1753Glu; replaces glycine 1753 with glutamic acid.
Molecular consequence: missense variant.
Genome position (GRCh38, 1-based): chr7:103,561,906, C>T on the plus strand (G>A on the coding strand, the complement: RELN is on the minus strand). VCF-style: chr7-103561906-C-T. GRCh37 (hg19) VCF-style: chr7-103202353-C-T.
Other names: c.5258G>A, p.Gly1753Glu (NM_173054.3); short protein forms G1753E.
Identifiers: ClinVar variation 542570 (VCV000542570.8), dbSNP rs1554379129, ClinGen allele CA368744533.

ClinVar aggregate classification (germline): Uncertain significance (1 of 4 stars; one submission).

Conditions:
Familial temporal lobe epilepsy 7. Identifiers: Orphanet 101046, MedGen C4225327, MONDO:0014639, OMIM 616436.
Norman-Roberts syndrome (LIS2). Also called: Lissencephaly 2 (Norman-Roberts type). Identifiers: Orphanet 89844, MedGen C0796089, MONDO:0009760, OMIM 257320.

Submission:

Labcorp Genetics (formerly Invitae), Labcorp
Classification: Uncertain significance for Familial temporal lobe epilepsy 7; Norman-Roberts syndrome. Last evaluated: 2017-08-17. Review status: criteria provided, single submitter. Criteria: Invitae Variant Classification Sherloc (09022015). Collection method: clinical testing. Allele origin: germline.
Comment: In summary, the available evidence is currently insufficient to determine the role of this variant in disease. Therefore, it has been classified as a Variant of Uncertain Significance. Algorithms developed to predict the effect of missense changes on protein structure and function do not agree on the potential impact of this missense change (SIFT: "Deleterious"; PolyPhen-2: "Possibly Damaging"; Align-GVGD: "Class C0"). This variant has not been reported in the literature in individuals with RELN-related disease. This variant is not present in population databases (ExAC no frequency). This sequence change replaces glycine with glutamic acid at codon 1753 of the RELN protein (p.Gly1753Glu). The glycine residue is highly conserved and there is a moderate physicochemical difference between glycine and glutamic acid.